The following is an entry in ClinVar:

ClinVar aggregate classification (germline): Pathogenic/Likely pathogenic. Review status: criteria provided, multiple submitters, no conflicts (2 of 4 stars). 3 submissions from 3 submitters: Pathogenic (2); Likely pathogenic (1). Last evaluated 2024-07-01.

Conditions:
Episodic kinesigenic dyskinesia (EKD). Also called: Paroxysmal kinesigenic dyskinesia. Identifiers: Orphanet 98809, MedGen C1868682, MONDO:0044202.

Allele frequency attached by ClinVar (database versions not stated): TOPMed 0.00001.

Submissions (3):

CeGaT Center for Human Genetics Tuebingen
Classification: Pathogenic. Last evaluated: 2024-07-01. Review status: criteria provided, single submitter. Criteria: CeGaT Center For Human Genetics Tuebingen Variant Classification Criteria Version 2. Collection method: clinical testing. Allele origin: germline. Affected: yes. Observed: 2 variant alleles.
Comment: PRRT2: PVS1, PM2, PP4:Moderate, PS4:Moderate, BS2

Labcorp Genetics (formerly Invitae), Labcorp
Classification: Pathogenic for Episodic kinesigenic dyskinesia. Last evaluated: 2022-10-07. Review status: criteria provided, single submitter. Criteria: Invitae Variant Classification Sherloc (09022015). Collection method: clinical testing. Allele origin: germline.
Comment: This variant is not present in population databases (gnomAD no frequency). This premature translational stop signal has been observed in individual(s) with benign familial neonatal-infantile seizures (PMID: 29215089). ClinVar contains an entry for this variant (Variation ID: 818036). For these reasons, this variant has been classified as Pathogenic. This sequence change creates a premature translational stop signal (p.Pro198Argfs*26) in the PRRT2 gene. It is expected to result in an absent or disrupted protein product. Loss-of-function variants in PRRT2 are known to be pathogenic (PMID: 22623405, 22744660).

GeneDx
Classification: Likely pathogenic. Last evaluated: 2019-02-26. Review status: criteria provided, single submitter. Criteria: GeneDx Variant Classification (06012015). Collection method: clinical testing. Allele origin: germline. Affected: yes.
Comment: The deletion causes a frameshift starting with codon Proline 198, changes this amino acid to a Arginine residue and creates a premature Stop codon at position 26 of the new reading frame, denoted p.Pro198ArgfsX26. This variant is predicted to cause loss of normal protein function either through protein truncation or nonsense-mediated mRNA decay. Furthermore, the c.593_594delCT variant is not observed in large population cohorts (Lek et al., 2016). Therefore, this variant is likely pathogenic; however, the possibility that it is benign cannot be excluded.

Literature cited by the submitters: PubMed 29215089 (cited by Labcorp Genetics (formerly Invitae), Labcorp); PubMed 22623405 (cited by Labcorp Genetics (formerly Invitae), Labcorp); PubMed 22744660 (cited by Labcorp Genetics (formerly Invitae), Labcorp).

NM_145239.3(PRRT2):c.593_594del (p.Pro198fs)

Genes: MVP-DT (MVP divergent transcript; minus strand), PRRT2 (proline rich transmembrane protein 2; plus strand). Cytogenetic location: 16p11.2.
Variant type: Deletion.
Coding change: c.593_594del on transcript NM_145239.3 (MANE Select); coding-DNA positions 593 to 594, 2 bases deleted (CT; older notation c.593_594delCT).
Protein change: p.Pro198fs; shifts the reading frame from proline 198.
Molecular consequence: frameshift variant.
Genome position (GRCh38, 1-based): chr16:29,813,647-29,813,648, CT deleted. VCF-style (leftmost placement, unchanged base first): chr16-29813646-CCT-C. GRCh37 (hg19) VCF-style: chr16-29824967-CCT-C.
Other names: c.593_594del, p.Pro198fs (NM_001256442.2, NM_001256443.2); short protein forms P198fs.
Identifiers: ClinVar variation 818036 (VCV000818036.33), dbSNP rs1260966131, ClinGen allele CA719789686.